The following is an entry in ClinVar:

ClinVar aggregate classification (germline): Likely benign. Review status: criteria provided, multiple submitters, no conflicts (2 of 4 stars). 3 submissions from 3 submitters: Likely benign (2). 1 of the submissions does not count toward it. Last evaluated 2026-02-01.

Conditions:
ZFHX3-related disorder. Also called: ZFHX3-related condition.

Allele frequency attached by ClinVar (database versions not stated): ExAC 0.00006; gnomAD exomes 0.00009; gnomAD 0.00020; 1000 Genomes Project 0.00300.
gnomAD v4.1: 147 of 1,389,934 alleles (0.011%); highest among the groups gnomAD compares: South Asian, 0.11%; no homozygotes.

Submissions (3):

CeGaT Center for Human Genetics Tuebingen
Classification: Likely benign. Last evaluated: 2026-02-01. Review status: criteria provided, single submitter. Criteria: CeGaT Center For Human Genetics Tuebingen Variant Classification Criteria Version 2. Collection method: clinical testing. Allele origin: germline. Affected: yes. Observed: 2 variant alleles.
Comment: ZFHX3: BP4, BS1

Blueprint Genetics
Classification: Likely benign. Last evaluated: 2024-10-09. Review status: criteria provided, single submitter. Criteria: ACMG Guidelines, 2015. Collection method: clinical testing. Allele origin: germline.

PreventionGenetics, part of Exact Sciences
Classification: Likely benign for ZFHX3-related condition. Last evaluated: 2019-05-24. Review status: no assertion criteria provided. Collection method: clinical testing. Allele origin: germline. Not counted in ClinVar's aggregate classification.
Comment: This variant is classified as likely benign based on ACMG/AMP sequence variant interpretation guidelines (Richards et al. 2015 PMID: 25741868, with internal and published modifications).

NM_006885.4(ZFHX3):c.10539T>C (p.Ser3513=)

Genes: ZFHX3 (zinc finger homeobox 3; minus strand), ZFHX3-AS1 (ZFHX3 antisense RNA 1; plus strand). Cytogenetic location: 16q22.2.
Variant type: single nucleotide variant.
Coding change: c.10539T>C on transcript NM_006885.4 (MANE Select); coding-DNA position 10539, T replaced by C.
Protein change: p.Ser3513=; no amino-acid change (serine 3513 retained).
Molecular consequence: synonymous variant.
Genome position (GRCh38, 1-based): chr16:72,787,737, A>G on the plus strand (T>C on the coding strand, the complement: ZFHX3 is on the minus strand). VCF-style: chr16-72787737-A-G. GRCh37 (hg19) VCF-style: chr16-72821636-A-G.
Other names: c.7797T>C, p.Ser2599= (NM_001164766.2); c.10539T>C, p.Ser3513= (NM_001386735.1).
Identifiers: ClinVar variation 3038239 (VCV003038239.17), dbSNP rs544296333, ClinGen allele CA8162452.
Genomic context (GRCh38, chr16:72,787,737, plus strand): 5'-CGCCAGGCAGTGGTACGAGCCGCCGCCGCCGCCGCCGCCGCCACCGCCGCCGCCGCCGCC[A>G]CTGCCACCGCCGCCGCCGCCGGTGGGGACGTGAAGCACCATCTCTTGCAGGTTCACCACA-3'
Protein context (NP_008816.3, residues 3503-3523): HVPTGGGGGG[Ser3513=]GGGGGGGGGG